The following is an entry in ClinVar:

NM_001303052.2(MYT1L):c.2282G>A (p.Arg761Gln)

Gene: MYT1L (myelin transcription factor 1 like; minus strand). Cytogenetic location: 2p25.3.
Variant type: single nucleotide variant.
Coding change: c.2282G>A on transcript NM_001303052.2 (MANE Select); coding-DNA position 2282, G replaced by A.
Protein change: p.Arg761Gln; replaces arginine 761 with glutamine.
Molecular consequence: missense variant.
Genome position (GRCh38, 1-based): chr2:1,892,038, C>T on the plus strand (G>A on the coding strand, the complement: MYT1L is on the minus strand). VCF-style: chr2-1892038-C-T. GRCh37 (hg19) VCF-style: chr2-1895810-C-T.
Other names: c.2282G>A, p.Arg761Gln (NM_001329844.2, NM_001329845.1, NM_001329851.3); c.2276G>A, p.Arg759Gln (NM_001329846.3, NM_001329847.2, NM_001329848.1 and 3 more transcripts); short protein forms R759Q, R761Q.
Identifiers: ClinVar variation 3049783 (VCV003049783.2), dbSNP rs1384454881, ClinGen allele CA345711995.

ClinVar aggregate classification (germline): Uncertain significance (0 of 4 stars; one submission).

Conditions:
MYT1L-related disorder. Also called: MYT1L-related condition.

Allele frequency attached by ClinVar (database versions not stated): TOPMed 0.00001; gnomAD 0.00002.
gnomAD v4.1: 13 of 1,526,088 alleles (0.00085%); highest among the groups gnomAD compares: African/African-American, 0.0028%; no homozygotes.

Submission:

PreventionGenetics, part of Exact Sciences
Classification: Uncertain significance for MYT1L-related condition. Last evaluated: 2023-12-28. Review status: no assertion criteria provided. Collection method: clinical testing. Allele origin: germline.
Comment: The MYT1L c.2282G>A variant is predicted to result in the amino acid substitution p.Arg761Gln. To our knowledge, this variant has not been reported in the literature or in a large population database, indicating this variant is rare. At this time, the clinical significance of this variant is uncertain due to the absence of conclusive functional and genetic evidence.